The following is an entry in ClinVar:

ClinVar aggregate classification (germline): Uncertain significance (1 of 4 stars; one submission).

Conditions:
Neonatal encephalomyopathy-cardiomyopathy-respiratory distress syndrome. Also called: Coenzyme Q10 deficiency, primary, 7. Identifiers: Orphanet 457185, MedGen C5568562, MONDO:0014562, OMIM 616276.

Allele frequency attached by ClinVar (database versions not stated): gnomAD exomes below 0.00001.
gnomAD v4.1: 1 of 1,612,102 alleles (0.000062%); highest among the groups gnomAD compares: Admixed American, 0.0017%; no homozygotes.

Submission:

Labcorp Genetics (formerly Invitae), Labcorp
Classification: Uncertain significance for Neonatal encephalomyopathy-cardiomyopathy-respiratory distress syndrome. Last evaluated: 2018-09-27. Review status: criteria provided, single submitter. Criteria: Invitae Variant Classification Sherloc (09022015). Collection method: clinical testing. Allele origin: germline.
Comment: In summary, the available evidence is currently insufficient to determine the role of this variant in disease. Therefore, it has been classified as a Variant of Uncertain Significance. Algorithms developed to predict the effect of missense changes on protein structure and function (SIFT, PolyPhen-2, Align-GVGD) all suggest that this variant is likely to be tolerated, but these predictions have not been confirmed by published functional studies and their clinical significance is uncertain. This variant has not been reported in the literature in individuals with COQ4-related disease. This variant is not present in population databases (ExAC no frequency). This sequence change replaces serine with alanine at codon 39 of the COQ4 protein (p.Ser39Ala). The serine residue is weakly conserved and there is a moderate physicochemical difference between serine and alanine.

NM_016035.5(COQ4):c.115T>G (p.Ser39Ala)

Gene: COQ4 (coenzyme Q4; plus strand). Cytogenetic location: 9q34.11.
Variant type: single nucleotide variant.
Coding change: c.115T>G on transcript NM_016035.5 (MANE Select); coding-DNA position 115, T replaced by G.
Protein change: p.Ser39Ala; replaces serine 39 with alanine.
Molecular consequence: missense variant.
Genome position (GRCh38, 1-based): chr9:128,323,060, T>G. VCF-style: chr9-128323060-T-G. GRCh37 (hg19) VCF-style: chr9-131085339-T-G.
Other names: c.115T>G, p.Ser39Ala (NM_001305942.2); short protein forms S39A.
Identifiers: ClinVar variation 653582 (VCV000653582.8), dbSNP rs1222487313, ClinGen allele CA375017340.